The following is an entry in ClinVar:

ClinVar aggregate classification (germline): Pathogenic (1 of 4 stars; one submission).

Conditions:
Primary ciliary dyskinesia 3. Identifiers: Orphanet 244, MedGen C1837618, MONDO:0012085, OMIM 608644.

Submission:

Myriad Genetics, Inc.
Classification: Pathogenic for Primary ciliary dyskinesia 3. Last evaluated: 2024-05-14. Review status: criteria provided, single submitter. Criteria: Myriad Autosomal Dominant, Autosomal Recessive and X-Linked Classification Criteria (2023). Collection method: clinical testing. Allele origin: unknown.
Comment: NM_001369.2(DNAH5):c.7342del1ins15(E2448Cfs*23) is expected to be pathogenic in the context of primary ciliary dyskinesia, DNAH5-related. This variant is predicted to lead to an abnormal or absent protein product due to the creation of a premature termination codon in DNAH5, a gene where loss-of-function variants are known to be pathogenic. Please note: this variant was assessed in the context of healthy population screening.

NM_001369.3(DNAH5):c.7342delinsTGTATAAGAGACAGT (p.Glu2448fs)

Gene: DNAH5 (dynein axonemal heavy chain 5; minus strand). Cytogenetic location: 5p15.2.
Variant type: Indel.
Coding change: c.7342delinsTGTATAAGAGACAGT on transcript NM_001369.3 (MANE Select); coding-DNA position 7342, G replaced by TGTATAAGAGACAGT.
Protein change: p.Glu2448fs; shifts the reading frame from glutamic acid 2448.
Molecular consequence: frameshift variant.
Genome position (GRCh38, 1-based): chr5:13,811,712, C replaced by ACTGTCTCTTATACA on the plus strand (G replaced by TGTATAAGAGACAGT on the coding strand, the reverse complement: DNAH5 is on the minus strand). VCF-style: chr5-13811712-C-ACTGTCTCTTATACA. GRCh37 (hg19) VCF-style: chr5-13811821-C-ACTGTCTCTTATACA.
Other names: short protein forms E2448fs.
Identifiers: ClinVar variation 5010883 (VCV005010883.1).